The following is an entry in ClinVar:

NM_001277115.2(DNAH11):c.7410G>C (p.Gln2470His)

Gene: DNAH11 (dynein axonemal heavy chain 11; plus strand). Cytogenetic location: 7p15.3.
Variant type: single nucleotide variant.
Coding change: c.7410G>C on transcript NM_001277115.2 (MANE Select); coding-DNA position 7410, G replaced by C.
Protein change: p.Gln2470His; replaces glutamine 2470 with histidine.
Molecular consequence: missense variant.
Genome position (GRCh38, 1-based): chr7:21,725,954, G>C. VCF-style: chr7-21725954-G-C. GRCh37 (hg19) VCF-style: chr7-21765572-G-C.
Other names: c.7431G>C, p.Gln2477His (NM_003777.3); short protein forms Q2470H, Q2477H.
Identifiers: ClinVar variation 2039845 (VCV002039845.4), dbSNP rs2128485664, ClinGen allele CA366945969.

ClinVar aggregate classification (germline): Uncertain significance (1 of 4 stars; one submission).

Conditions:
Primary ciliary dyskinesia. Also called: Ciliary dyskinesia. Identifiers: Orphanet 244, MedGen C0008780, MONDO:0016575, HP:0012265.

Submission:

Labcorp Genetics (formerly Invitae), Labcorp
Classification: Uncertain significance for Primary ciliary dyskinesia. Last evaluated: 2022-08-17. Review status: criteria provided, single submitter. Criteria: Invitae Variant Classification Sherloc (09022015). Collection method: clinical testing. Allele origin: germline.
Comment: Advanced modeling of protein sequence and biophysical properties (such as structural, functional, and spatial information, amino acid conservation, physicochemical variation, residue mobility, and thermodynamic stability) performed at Invitae indicates that this missense variant is not expected to disrupt DNAH11 protein function. In summary, the available evidence is currently insufficient to determine the role of this variant in disease. Therefore, it has been classified as a Variant of Uncertain Significance. This variant has not been reported in the literature in individuals affected with DNAH11-related conditions. This variant is not present in population databases (gnomAD no frequency). This sequence change replaces glutamine, which is neutral and polar, with histidine, which is basic and polar, at codon 2470 of the DNAH11 protein (p.Gln2470His).